The following is an entry in ClinVar:

ClinVar aggregate classification (germline): Uncertain significance. Review status: criteria provided, multiple submitters, no conflicts (2 of 4 stars). 2 submissions from 2 submitters: Uncertain significance (2). Last evaluated 2026-07-02.

Conditions:
Hereditary cancer-predisposing syndrome. Also called: Hereditary Cancer Syndrome; Hereditary neoplastic syndrome; Neoplastic Syndromes, Hereditary; Tumor predisposition. Identifiers: Orphanet 140162, MedGen C0027672, MeSH D009386, MONDO:0015356.
Oligodontia-cancer predisposition syndrome. Also called: TOOTH AGENESIS-COLORECTAL CANCER SYNDROME. Identifiers: Orphanet 300576, MedGen C1837750, MONDO:0012075, OMIM 608615. Disease mechanism: loss of function.

Submissions (2):

Ambry Genetics
Classification: Uncertain significance for Hereditary cancer-predisposing syndrome. Last evaluated: 2026-07-02. Review status: criteria provided, single submitter. Criteria: Ambry Variant Classification Scheme 2023. Collection method: clinical testing. Allele origin: germline.
Comment: The p.G664R variant (also known as c.1990G>A), located in coding exon 7 of the AXIN2 gene, results from a G to A substitution at nucleotide position 1990. The glycine at codon 664 is replaced by arginine, an amino acid with dissimilar properties. This amino acid position is conserved. In addition, the in silico prediction for this alteration is inconclusive. Based on the available evidence, the clinical significance of this variant remains unclear.

Labcorp Genetics (formerly Invitae), Labcorp
Classification: Uncertain significance for Oligodontia-cancer predisposition syndrome. Last evaluated: 2024-01-11. Review status: criteria provided, single submitter. Criteria: Invitae Variant Classification Sherloc (09022015). Collection method: clinical testing. Allele origin: germline.
Comment: This sequence change replaces glycine, which is neutral and non-polar, with arginine, which is basic and polar, at codon 664 of the AXIN2 protein (p.Gly664Arg). This variant is not present in population databases (gnomAD no frequency). This variant has not been reported in the literature in individuals affected with AXIN2-related conditions. Advanced modeling of protein sequence and biophysical properties (such as structural, functional, and spatial information, amino acid conservation, physicochemical variation, residue mobility, and thermodynamic stability) performed at Invitae indicates that this missense variant is not expected to disrupt AXIN2 protein function with a negative predictive value of 80%. In summary, the available evidence is currently insufficient to determine the role of this variant in disease. Therefore, it has been classified as a Variant of Uncertain Significance.

NM_004655.4(AXIN2):c.1990G>A (p.Gly664Arg)

Gene: AXIN2 (axin 2; minus strand). Cytogenetic location: 17q24.1.
Variant type: single nucleotide variant.
Coding change: c.1990G>A on transcript NM_004655.4 (MANE Select); coding-DNA position 1990, G replaced by A.
Protein change: p.Gly664Arg; replaces glycine 664 with arginine.
Molecular consequence: missense variant.
Genome position (GRCh38, 1-based): chr17:65,536,471, C>T on the plus strand (G>A on the coding strand, the complement: AXIN2 is on the minus strand). VCF-style: chr17-65536471-C-T. GRCh37 (hg19) VCF-style: chr17-63532589-C-T.
Other names: c.1795G>A, p.Gly599Arg (NM_001363813.1); short protein forms G599R, G664R.
Identifiers: ClinVar variation 2803620 (VCV002803620.4), dbSNP rs2144442742, ClinGen allele CA400676199.
Genomic context (GRCh38, chr17:65,536,471, plus strand): 5'-CAGGGTCCTGGGTGAACAGGTGGGCACGGGGGGTGGTGCGGGGGTGCCCGCTGTTGCCCC[C>T]CCACAGATGGTGCCGGCTGGCTCGTTCGCCTGGAGACGAGCGGGCAGACTCCAAGGGGTA-3'
Protein context (NP_004646.3, residues 654-674): GERASRHHLW[Gly664Arg]GNSGHPRTTP